The following is an entry in ClinVar:

ClinVar aggregate classification (germline): Uncertain significance (1 of 4 stars; one submission).

Conditions:
Inborn genetic diseases. Identifiers: MedGen C0950123, MeSH D030342.

Submission:

Ambry Genetics
Classification: Uncertain significance for Inborn genetic diseases. Last evaluated: 2024-07-05. Review status: criteria provided, single submitter. Criteria: Ambry Variant Classification Scheme 2023. Collection method: clinical testing. Allele origin: germline.
Comment: The p.L105P variant (also known as c.314T>C), located in coding exon 5 of the ERCC2 gene, results from a T to C substitution at nucleotide position 314. The leucine at codon 105 is replaced by proline, an amino acid with similar properties. This amino acid position is conserved. In addition, this alteration is predicted to be deleterious by in silico analysis. Based on the available evidence, the clinical significance of this variant remains unclear.

NM_000400.4(ERCC2):c.314T>C (p.Leu105Pro)

Gene: ERCC2 (ERCC excision repair 2, TFIIH core complex helicase subunit; minus strand). Cytogenetic location: 19q13.32.
Variant type: single nucleotide variant.
Coding change: c.314T>C on transcript NM_000400.4 (MANE Select); coding-DNA position 314, T replaced by C.
Protein change: p.Leu105Pro; replaces leucine 105 with proline.
Molecular consequence: missense variant.
Genome position (GRCh38, 1-based): chr19:45,368,676, A>G on the plus strand (T>C on the coding strand, the complement: ERCC2 is on the minus strand). VCF-style: chr19-45368676-A-G. GRCh37 (hg19) VCF-style: chr19-45871934-A-G.
Other names: c.242T>C, p.Leu81Pro (NM_001130867.2); short protein forms L81P, L105P.
Identifiers: ClinVar variation 3509823 (VCV003509823.1).